The following is an entry in ClinVar:

ClinVar aggregate classification (germline): Uncertain significance (1 of 4 stars; one submission).

Conditions:
Neuroblastoma, susceptibility to, 3. Also called: ALK-Related Neuroblastic Tumor Susceptibility. Identifiers: Orphanet 635, MedGen C2751681, MONDO:0013083, OMIM 613014.

Submission:

Labcorp Genetics (formerly Invitae), Labcorp
Classification: Uncertain significance for Neuroblastoma, susceptibility to, 3. Last evaluated: 2022-08-16. Review status: criteria provided, single submitter. Criteria: Invitae Variant Classification Sherloc (09022015). Collection method: clinical testing. Allele origin: germline.
Comment: This sequence change creates a premature translational stop signal (p.Glu201Glyfs*24) in the ALK gene. It is expected to result in an absent or disrupted protein product. However, the current clinical and genetic evidence is not sufficient to establish whether loss-of-function variants in ALK cause disease. This variant is not present in population databases (gnomAD no frequency). This variant has not been reported in the literature in individuals affected with ALK-related conditions. In summary, the available evidence is currently insufficient to determine the role of this variant in disease. Therefore, it has been classified as a Variant of Uncertain Significance.

NM_004304.5(ALK):c.602_603del (p.Glu201fs)

Gene: ALK (ALK receptor tyrosine kinase; minus strand). Cytogenetic location: 2p23.1.
Variant type: Microsatellite.
Coding change: c.602_603del on transcript NM_004304.5 (MANE Select); coding-DNA positions 602 to 603, 2 bases deleted (AG; older notation c.602_603delAG).
Protein change: p.Glu201fs; shifts the reading frame from glutamic acid 201.
Molecular consequence: frameshift variant.
Genome position (GRCh38, 1-based): chr2:29,920,057-29,920,058, CT deleted on the plus strand (AG on the coding strand, the reverse complement: ALK is on the minus strand); deleting any 2 consecutive bases within chr2:29,920,057-29,920,062 gives the same sequence; the c. name uses the placement nearest the transcript's 3' end. VCF-style (leftmost placement, unchanged base first): chr2-29920056-CCT-C. GRCh37 (hg19) VCF-style: chr2-30142922-CCT-C.
Other names: short protein forms E201fs.
Identifiers: ClinVar variation 2024376 (VCV002024376.4), dbSNP rs2465865093, ClinGen allele CA2580611257.